The following is an entry in ClinVar:

ClinVar aggregate classification (germline): Uncertain significance (1 of 4 stars; one submission).

Conditions:
Familial hemophagocytic lymphohistiocytosis 4 (FHL4). Also called: STX11-Related Familial Hemophagocytic Lymphohistiocytosis (STX11-fHLH). Identifiers: Orphanet 540, MedGen C1863728, MONDO:0011336, OMIM 603552.

Allele frequency attached by ClinVar (database versions not stated): gnomAD below 0.00001 and 0.00001; gnomAD exomes 0.00001 and 0.00003; ExAC 0.00003; 1000 Genomes Project 30x 0.00016; 1000 Genomes Project 0.00020.
gnomAD v4.1: 22 of 1,611,022 alleles (0.0014%); highest among the groups gnomAD compares: South Asian, 0.022%; no homozygotes.

Submission:

Labcorp Genetics (formerly Invitae), Labcorp
Classification: Uncertain significance for Familial hemophagocytic lymphohistiocytosis 4. Last evaluated: 2021-09-01. Review status: criteria provided, single submitter. Criteria: Invitae Variant Classification Sherloc (09022015). Collection method: clinical testing. Allele origin: germline.
Comment: This sequence change replaces glycine with aspartic acid at codon 257 of the STX11 protein (p.Gly257Asp). The glycine residue is moderately conserved and there is a moderate physicochemical difference between glycine and aspartic acid. This variant is present in population databases (rs574011092, ExAC 0.02%). This variant has not been reported in the literature in individuals affected with STX11-related conditions. Algorithms developed to predict the effect of missense changes on protein structure and function are either unavailable or do not agree on the potential impact of this missense change (SIFT: "Tolerated"; PolyPhen-2: "Possibly Damaging"; Align-GVGD: "Class C0"). In summary, the available evidence is currently insufficient to determine the role of this variant in disease. Therefore, it has been classified as a Variant of Uncertain Significance.

NM_003764.4(STX11):c.770G>A (p.Gly257Asp)

Gene: STX11 (syntaxin 11; plus strand). Cytogenetic location: 6q24.2.
Variant type: single nucleotide variant.
Coding change: c.770G>A on transcript NM_003764.4 (MANE Select); coding-DNA position 770, G replaced by A.
Protein change: p.Gly257Asp; replaces glycine 257 with aspartic acid.
Molecular consequence: missense variant.
Genome position (GRCh38, 1-based): chr6:144,187,397, G>A. VCF-style: chr6-144187397-G-A. GRCh37 (hg19) VCF-style: chr6-144508534-G-A.
Other names: short protein forms G257D.
Identifiers: ClinVar variation 1023529 (VCV001023529.6), dbSNP rs574011092, ClinGen allele CA4031788.